The following is an entry in ClinVar:

ClinVar aggregate classification (germline): Uncertain significance. Review status: criteria provided, multiple submitters, no conflicts (2 of 4 stars). 2 submissions from 2 submitters: Uncertain significance (2). Last evaluated 2026-06-10.

Conditions:
Nephrolithiasis/nephrocalcinosis. Identifiers: MedGen CN580796.

Allele frequency attached by ClinVar (database versions not stated): gnomAD exomes below 0.00001.
gnomAD v4.1: 1 of 1,613,534 alleles (0.000062%); highest among the groups gnomAD compares: Non-Finnish European, 0.000085%; no homozygotes.

Submissions (2):

Women's Health and Genetics/Laboratory Corporation of America, LabCorp
Classification: Uncertain significance. Last evaluated: 2026-06-10. Review status: criteria provided, single submitter. Criteria: LabCorp Variant Classification Summary - May 2015. Collection method: clinical testing. Allele origin: germline.
Comment: Variant summary: CASR c.1979G>A (p.Cys660Tyr) results in a non-conservative amino acid change in the encoded protein sequence. Algorithms developed to predict the effect of missense changes on protein structure and function all suggest that this variant is likely to be disruptive. The variant was absent in 251112 control chromosomes. The available data on variant occurrences in the general population are insufficient to allow any conclusion about variant significance. To our knowledge, no occurrence of c.1979G>A in individuals affected with CASR-related conditions and no experimental evidence demonstrating its impact on protein function have been reported. ClinVar contains an entry for this variant (Variation ID: 2451472). Based on the evidence outlined above, the variant was classified as uncertain significance.

Ambry Genetics
Classification: Uncertain significance for Nephrolithiasis/nephrocalcinosis. Last evaluated: 2023-03-09. Review status: criteria provided, single submitter. Criteria: Ambry Variant Classification Scheme 2023. Collection method: clinical testing. Allele origin: germline.
Comment: The p.C660Y variant (also known as c.1979G>A), located in coding exon 6 of the CASR gene, results from a G to A substitution at nucleotide position 1979. The cysteine at codon 660 is replaced by tyrosine, an amino acid with highly dissimilar properties. This amino acid position is conserved. In addition, this alteration is predicted to be deleterious by in silico analysis. Since supporting evidence is limited at this time, the clinical significance of this alteration remains unclear.

NM_000388.4(CASR):c.1979G>A (p.Cys660Tyr)

Gene: CASR (calcium sensing receptor; plus strand). Cytogenetic location: 3q21.1.
Variant type: single nucleotide variant.
Coding change: c.1979G>A on transcript NM_000388.4 (MANE Select); coding-DNA position 1979, G replaced by A.
Protein change: p.Cys660Tyr; replaces cysteine 660 with tyrosine.
Molecular consequence: missense variant.
Genome position (GRCh38, 1-based): chr3:122,283,933, G>A. VCF-style: chr3-122283933-G-A. GRCh37 (hg19) VCF-style: chr3-122002780-G-A.
Other names: c.2009G>A, p.Cys670Tyr (NM_001178065.2); short protein forms C670Y, C660Y.
Identifiers: ClinVar variation 2451472 (VCV002451472.3), dbSNP rs2473277268, ClinGen allele CA354158224.